The following is an entry in ClinVar:

ClinVar aggregate classification (germline): Uncertain significance (1 of 4 stars; one submission).

Submission:

Labcorp Genetics (formerly Invitae), Labcorp
Classification: Uncertain significance. Last evaluated: 2024-04-10. Review status: criteria provided, single submitter. Criteria: Invitae Variant Classification Sherloc (09022015). Collection method: clinical testing. Allele origin: germline.
Comment: This sequence change replaces glutamine, which is neutral and polar, with lysine, which is basic and polar, at codon 56 of the SLC17A8 protein (p.Gln56Lys). This variant is not present in population databases (gnomAD no frequency). This variant has not been reported in the literature in individuals affected with SLC17A8-related conditions. An algorithm developed to predict the effect of missense changes on protein structure and function (PolyPhen-2) suggests that this variant is likely to be tolerated. In summary, the available evidence is currently insufficient to determine the role of this variant in disease. Therefore, it has been classified as a Variant of Uncertain Significance.

NM_139319.3(SLC17A8):c.166C>A (p.Gln56Lys)

Gene: SLC17A8 (solute carrier family 17 member 8; plus strand). Cytogenetic location: 12q23.1.
Variant type: single nucleotide variant.
Coding change: c.166C>A on transcript NM_139319.3 (MANE Select); coding-DNA position 166, C replaced by A.
Protein change: p.Gln56Lys; replaces glutamine 56 with lysine.
Molecular consequence: missense variant.
Genome position (GRCh38, 1-based): chr12:100,380,765, C>A. VCF-style: chr12-100380765-C-A. GRCh37 (hg19) VCF-style: chr12-100774543-C-A.
Other names: c.166C>A, p.Gln56Lys (NM_001145288.2); short protein forms Q56K.
Identifiers: ClinVar variation 3621684 (VCV003621684.2).